The following is an entry in ClinVar:

ClinVar aggregate classification (germline): Uncertain significance (1 of 4 stars; one submission).

Submission:

Ambry Genetics
Classification: Uncertain significance. Last evaluated: 2025-06-07. Review status: criteria provided, single submitter. Criteria: Ambry Variant Classification Scheme 2023. Collection method: clinical testing. Allele origin: germline.
Comment: The p.C49S variant (also known as c.146G>C), located in coding exon 2 of the RECQL gene, results from a G to C substitution at nucleotide position 146. The cysteine at codon 49 is replaced by serine, an amino acid with dissimilar properties. This amino acid position is conserved. In addition, this alteration is predicted to be tolerated by in silico analysis. Since supporting evidence is limited at this time, the clinical significance of this alteration remains unclear.

NM_002907.4(RECQL):c.146G>C (p.Cys49Ser)

Gene: RECQL (RecQ like helicase; minus strand). Cytogenetic location: 12p12.1.
Variant type: single nucleotide variant.
Coding change: c.146G>C on transcript NM_002907.4 (MANE Select); coding-DNA position 146, G replaced by C.
Protein change: p.Cys49Ser; replaces cysteine 49 with serine.
Molecular consequence: missense variant.
Genome position (GRCh38, 1-based): chr12:21,491,587, C>G on the plus strand (G>C on the coding strand, the complement: RECQL is on the minus strand). VCF-style: chr12-21491587-C-G. GRCh37 (hg19) VCF-style: chr12-21644521-C-G.
Other names: c.146G>C, p.Cys49Ser (NM_032941.3); short protein forms C49S.
Identifiers: ClinVar variation 2565584 (VCV002565584.3), dbSNP rs1352907591, ClinGen allele CA384134406.
Genomic context (GRCh38, chr12:21,491,587, plus strand): 5'-TTCCAAGCGGCAGGTGAAGAATCATATTCATTGCTTGCCCCGGCATCAGAATCCTCTAAA[C>G]ACTGCTTTATTTTCTTTGTCAGGACTTTTTTTTTCTGAATAAGCTCTTGTTGCCTTTCCG-3'
Protein context (NP_002898.2, residues 39-59): KKVLTKKIKQ[Cys49Ser]LEDSDAGASN